The following is an entry in ClinVar:

NM_013386.5(SLC25A24):c.301AAT[1] (p.Asn102del)

Gene: SLC25A24 (solute carrier family 25 member 24; minus strand). Cytogenetic location: 1p13.3.
Variant type: Microsatellite.
Coding change: c.301AAT[1] on transcript NM_013386.5 (MANE Select); one copy of the 3-base unit AAT starting at c.301; the reference has two copies in a row; one copy, 3 bases deleted.
Protein change: p.Asn102del; deletes asparagine 102.
Molecular consequence: inframe deletion.
Genome position (GRCh38, 1-based): chr1:108,185,832-108,185,834, ATT deleted on the plus strand (AAT on the coding strand, the reverse complement: SLC25A24 is on the minus strand); deleting any 3 consecutive bases within chr1:108,185,832-108,185,837 gives the same sequence; the position shown is the placement nearest the transcript's 3' end. VCF-style (leftmost placement, unchanged base first): chr1-108185831-CATT-C. GRCh37 (hg19) VCF-style: chr1-108728453-CATT-C.
Other names: c.244AAT[1], p.Asn83del (NM_213651.3); short protein forms N102del, N83del.
Identifiers: ClinVar variation 3603495 (VCV003603495.2).

ClinVar aggregate classification (germline): Uncertain significance (1 of 4 stars; one submission).

Submission:

Labcorp Genetics (formerly Invitae), Labcorp
Classification: Uncertain significance. Last evaluated: 2024-12-08. Review status: criteria provided, single submitter. Criteria: Invitae Variant Classification Sherloc (09022015). Collection method: clinical testing. Allele origin: germline.
Comment: This variant, c.304_306del, results in the deletion of 1 amino acid(s) of the SLC25A24 protein (p.Asn102del), but otherwise preserves the integrity of the reading frame. This variant is present in population databases (rs754983714, gnomAD 0.0009%). This variant has not been reported in the literature in individuals affected with SLC25A24-related conditions. Experimental studies and prediction algorithms are not available or were not evaluated, and the functional significance of this variant is currently unknown. In summary, the available evidence is currently insufficient to determine the role of this variant in disease. Therefore, it has been classified as a Variant of Uncertain Significance.